The following is an entry in ClinVar:

NM_005529.7(HSPG2):c.10193C>G (p.Ser3398Cys)

Gene: HSPG2 (heparan sulfate proteoglycan 2; minus strand). Cytogenetic location: 1p36.12.
Variant type: single nucleotide variant.
Coding change: c.10193C>G on transcript NM_005529.7 (MANE Select); coding-DNA position 10193, C replaced by G.
Protein change: p.Ser3398Cys; replaces serine 3398 with cysteine.
Molecular consequence: missense variant.
Genome position (GRCh38, 1-based): chr1:21,836,964, G>C on the plus strand (C>G on the coding strand, the complement: HSPG2 is on the minus strand). VCF-style: chr1-21836964-G-C. GRCh37 (hg19) VCF-style: chr1-22163457-G-C.
Other names: c.10196C>G, p.Ser3399Cys (NM_001291860.2); c.10193C>G (NM_005529.5, NM_005529.6); short protein forms S3398C, S3399C.
Identifiers: ClinVar variation 1946340 (VCV001946340.7), dbSNP rs1273391185, ClinGen allele CA338910999.

ClinVar aggregate classification (germline): Uncertain significance. Review status: criteria provided, multiple submitters, no conflicts (2 of 4 stars). 3 submissions from 3 submitters: Uncertain significance (3). Last evaluated 2024-12-11.

Conditions:
Inborn genetic diseases. Identifiers: MedGen C0950123, MeSH D030342.

Allele frequency attached by ClinVar (database versions not stated): gnomAD exomes 0.00001.
gnomAD v4.1: 10 of 1,554,652 alleles (0.00064%); highest among the groups gnomAD compares: Non-Finnish European, 0.00087%; no homozygotes.

Submissions (3):

Ambry Genetics
Classification: Uncertain significance for Inborn genetic diseases. Last evaluated: 2024-12-11. Review status: criteria provided, single submitter. Criteria: Ambry Variant Classification Scheme 2023. Collection method: clinical testing. Allele origin: germline.

Athena Diagnostics
Classification: Uncertain significance. Last evaluated: 2022-10-04. Review status: criteria provided, single submitter. Criteria: Athena Diagnostics Criteria. Collection method: clinical testing. Allele origin: unknown.
Comment: Available data are insufficient to determine the clinical significance of the variant at this time. The frequency of this variant in the general population is uninformative in assessment of its pathogenicity. Computational tools predict that this variant is not damaging.

Labcorp Genetics (formerly Invitae), Labcorp
Classification: Uncertain significance. Last evaluated: 2022-03-01. Review status: criteria provided, single submitter. Criteria: Invitae Variant Classification Sherloc (09022015). Collection method: clinical testing. Allele origin: germline.
Comment: In summary, the available evidence is currently insufficient to determine the role of this variant in disease. Therefore, it has been classified as a Variant of Uncertain Significance. Algorithms developed to predict the effect of missense changes on protein structure and function are either unavailable or do not agree on the potential impact of this missense change (SIFT: "Deleterious"; PolyPhen-2: "Possibly Damaging"; Align-GVGD: "Class C0"). This variant has not been reported in the literature in individuals affected with HSPG2-related conditions. This variant is present in population databases (no rsID available, gnomAD 0.002%). This sequence change replaces serine, which is neutral and polar, with cysteine, which is neutral and slightly polar, at codon 3398 of the HSPG2 protein (p.Ser3398Cys).